The following is an entry in ClinVar:

NM_015272.5(RPGRIP1L):c.599T>G (p.Leu200Ter)

Gene: RPGRIP1L (RPGRIP1 like; minus strand). Cytogenetic location: 16q12.2.
Variant type: single nucleotide variant.
Coding change: c.599T>G on transcript NM_015272.5 (MANE Select); coding-DNA position 599, T replaced by G.
Protein change: p.Leu200Ter; replaces leucine 200 with a stop codon.
Molecular consequence: nonsense.
Genome position (GRCh38, 1-based): chr16:53,687,896, A>C on the plus strand (T>G on the coding strand, the complement: RPGRIP1L is on the minus strand). VCF-style: chr16-53687896-A-C. GRCh37 (hg19) VCF-style: chr16-53721808-A-C.
Other names: c.599T>G, p.Leu200Ter (NM_001127897.4, NM_001308334.3, NM_001330538.2); short protein forms L200*.
Identifiers: ClinVar variation 1451391 (VCV001451391.8), dbSNP rs564992297, ClinGen allele CA8058080.

ClinVar aggregate classification (germline): Pathogenic/Likely pathogenic. Review status: criteria provided, multiple submitters, no conflicts (2 of 4 stars). 3 submissions from 3 submitters: Pathogenic (1); Likely pathogenic (2). Last evaluated 2023-10-11.

Conditions:
Meckel syndrome, type 5 (MKS5). Identifiers: Orphanet 564, MedGen C1969052, MONDO:0012695, OMIM 611561.
COACH syndrome 3. Identifiers: MedGen C5436841, MONDO:0030862, OMIM 619113.
Joubert syndrome 7 (JBTS7). Identifiers: Orphanet 220497, MedGen C1969053, MONDO:0012694, OMIM 611560.
Meckel-Gruber syndrome. Also called: Dysencephalia splachnocystica; DYSENCEPHALIA SPLANCHNOCYSTICA; GRUBER SYNDROME. Identifiers: Orphanet 564, MedGen C0265215, MONDO:0018921.
Joubert syndrome. Also called: Familial aplasia of the vermis; JOUBERT-BOLTSHAUSER SYNDROME. Identifiers: Orphanet 475, MedGen C5979921, MONDO:0018772.
RPGRIP1L-related disorder. Also called: RPGRIP1L-related disorders; RPGRIP1L-related condition. Identifiers: MedGen CN239416.

Allele frequency attached by ClinVar (database versions not stated): gnomAD exomes below 0.00001; ExAC 0.00001; gnomAD 0.00001; 1000 Genomes Project 30x 0.00016; 1000 Genomes Project 0.00020.
gnomAD v4.1: 1 of 1,611,240 alleles (0.000062%); highest among the groups gnomAD compares: East Asian, 0.0022%; no homozygotes.

Submissions (3):

Labcorp Genetics (formerly Invitae), Labcorp
Classification: Pathogenic for Joubert syndrome; Meckel-Gruber syndrome. Last evaluated: 2023-10-11. Review status: criteria provided, single submitter. Criteria: Invitae Variant Classification Sherloc (09022015). Collection method: clinical testing. Allele origin: germline.
Comment: This sequence change creates a premature translational stop signal (p.Leu200*) in the RPGRIP1L gene. It is expected to result in an absent or disrupted protein product. Loss-of-function variants in RPGRIP1L are known to be pathogenic (PMID: 17558409). This variant is present in population databases (rs564992297, gnomAD 0.006%). This variant has not been reported in the literature in individuals affected with RPGRIP1L-related conditions. ClinVar contains an entry for this variant (Variation ID: 1451391). For these reasons, this variant has been classified as Pathogenic.

Blueprint Genetics
Classification: Likely pathogenic for RPGRIP1L-related disorders. Last evaluated: 2023-04-28. Review status: criteria provided, single submitter. Criteria: ACMG Guidelines, 2015. Collection method: clinical testing. Allele origin: germline. Affected: yes. Observed: 1 variant allele.

Fulgent Genetics
Classification: Likely pathogenic for Joubert syndrome 7; Meckel syndrome, type 5; COACH syndrome 3. Last evaluated: 2022-01-27. Review status: criteria provided, single submitter. Criteria: ACMG Guidelines, 2015. Collection method: clinical testing. Allele origin: unknown.

Literature cited by the submitters: PubMed 17558409 (cited by Labcorp Genetics (formerly Invitae), Labcorp).